The following is an entry in ClinVar:

NM_032199.3(ARID5B):c.1833GGA[1] (p.Glu612del)

Gene: ARID5B (AT-rich interaction domain 5B; plus strand). Cytogenetic location: 10q21.2.
Variant type: Microsatellite.
Coding change: c.1833GGA[1] on transcript NM_032199.3 (MANE Select); one copy of the 3-base unit GGA starting at c.1833; the reference has two copies in a row; one copy, 3 bases deleted.
Protein change: p.Glu612del; deletes glutamic acid 612.
Molecular consequence: inframe deletion.
Genome position (GRCh38, 1-based): chr10:62,091,299-62,091,301, GGA deleted; deleting any 3 consecutive bases within chr10:62,091,296-62,091,301 gives the same sequence; the position shown is the placement nearest the transcript's 3' end. VCF-style (leftmost placement, unchanged base first): chr10-62091295-CGGA-C. GRCh37 (hg19) VCF-style: chr10-63851054-CGGA-C.
Other names: c.1104GGA[1], p.Glu369del (NM_001244638.2); short protein forms E369del, E612del.
Identifiers: ClinVar variation 3352362 (VCV003352362.1).

ClinVar aggregate classification (germline): Likely benign (0 of 4 stars; one submission).

Conditions:
ARID5B-related disorder. Also called: ARID5B-related condition.

Submission:

PreventionGenetics, part of Exact Sciences
Classification: Likely benign for ARID5B-related condition. Last evaluated: 2024-08-07. Review status: no assertion criteria provided. Collection method: clinical testing. Allele origin: germline.
Comment: This variant is classified as likely benign based on ACMG/AMP sequence variant interpretation guidelines (Richards et al. 2015 PMID: 25741868, with internal and published modifications).